The following is an entry in ClinVar:

ClinVar aggregate classification (germline): Conflicting classifications of pathogenicity. Review status: criteria provided, conflicting classifications (1 of 4 stars). 2 submissions from 2 submitters: Uncertain significance (1); Likely benign (1). Last evaluated 2024-11-11.

Conditions:
Nephronophthisis. Also called: Juvenile Nephronophthisis. Identifiers: Orphanet 655, MedGen C0687120, MONDO:0019005, HP:0000090.

Allele frequency attached by ClinVar (database versions not stated): ExAC 0.00007; TOPMed 0.00007; gnomAD 0.00008.
gnomAD v4.1: 117 of 1,549,628 alleles (0.0076%); highest among the groups gnomAD compares: Non-Finnish European, 0.0092%; no homozygotes.

Submissions (2):

Labcorp Genetics (formerly Invitae), Labcorp
Classification: Likely benign for Nephronophthisis. Last evaluated: 2024-11-11. Review status: criteria provided, single submitter. Criteria: Invitae Variant Classification Sherloc (09022015). Collection method: clinical testing. Allele origin: germline.

GeneDx
Classification: Uncertain significance. Last evaluated: 2023-11-14. Review status: criteria provided, single submitter. Criteria: GeneDx Variant Classification Process June 2021. Collection method: clinical testing. Allele origin: germline. Affected: yes.
Comment: In silico analysis supports that this variant does not alter splicing; Has not been previously published as pathogenic or benign to our knowledge

NM_032575.3(GLIS2):c.1320C>T (p.Gly440=)

Gene: GLIS2 (GLIS family zinc finger 2; plus strand). Cytogenetic location: 16p13.3.
Variant type: single nucleotide variant.
Coding change: c.1320C>T on transcript NM_032575.3 (MANE Select); coding-DNA position 1320, C replaced by T.
Protein change: p.Gly440=; no amino-acid change (glycine 440 retained).
Molecular consequence: synonymous variant.
Genome position (GRCh38, 1-based): chr16:4,337,269, C>T. VCF-style: chr16-4337269-C-T. GRCh37 (hg19) VCF-style: chr16-4387270-C-T.
Other names: c.1320C>T, p.Gly440= (NM_001318918.2); c.1320C>T (NM_032575.2).
Identifiers: ClinVar variation 2145652 (VCV002145652.5), dbSNP rs752036048, ClinGen allele CA7873236.